The following is an entry in ClinVar:

ClinVar aggregate classification (germline): Uncertain significance (1 of 4 stars; one submission).

Conditions:
Wiedemann-Steiner syndrome (WDSTS). Also called: Growth deficiency and mental retardation with facial dysmorphism. Identifiers: Orphanet 319182, MedGen C1854630, MONDO:0011518, OMIM 605130.

Submission:

Juno Genomics, Hangzhou Juno Genomics, Inc
Classification: Uncertain significance for Wiedemann-Steiner syndrome. Review status: criteria provided, single submitter. Criteria: ACMG Guidelines, 2015. Collection method: clinical testing. Allele origin: germline.
Comment: Absent from controls (or at extremely low frequency if recessive) in Genome Aggregation Database.;Multiple lines of computational evidence support a deleterious effect on the gene or gene product.

NM_001197104.2(KMT2A):c.5557+5G>C

Gene: KMT2A (lysine methyltransferase 2A; plus strand). Cytogenetic location: 11q23.3.
Variant type: single nucleotide variant.
Coding change: c.5557+5G>C on transcript NM_001197104.2 (MANE Select); 5 bases into the intron after coding-DNA position 5557, G replaced by C.
Molecular consequence: intron variant.
Genome position (GRCh38, 1-based): chr11:118,495,898, G>C. VCF-style: chr11-118495898-G-C. GRCh37 (hg19) VCF-style: chr11-118366613-G-C.
Other names: c.5647+5G>C (NM_001412597.1); c.5548+5G>C (NM_005933.4).
Identifiers: ClinVar variation 5007788 (VCV005007788.2).